The following is an entry in ClinVar:

ClinVar aggregate classification (germline): Uncertain significance (1 of 4 stars; one submission).

Conditions:
Congenital myasthenic syndrome 7. Also called: MYASTHENIC SYNDROME, CONGENITAL, 7A, PRESYNAPTIC, AND DISTAL MOTOR NEUROPATHY, AUTOSOMAL DOMINANT; Myasthenic syndrome, congenital, 7, presynaptic. Identifiers: Orphanet 590, MedGen C4015038, MONDO:0014468, OMIM 616040.

Submission:

3billion
Classification: Uncertain significance for Congenital myasthenic syndrome 7. Last evaluated: 2023-02-23. Review status: criteria provided, single submitter. Criteria: ACMG Guidelines, 2015. Collection method: clinical testing. Allele origin: unknown. Affected: yes.
Comment: The variant is not observed in the gnomAD v2.1.1 dataset. In silico tool predictions suggest damaging effect of the variant on gene or gene product (REVEL: 0.76; 3Cnet: 0.02). Different missense changes at the same codon (p.Asp361Gly, p.Asp361His) have been reported to be associated with SYT2 related disorder (PMID: 31230720, 32403337). However the evidence of pathogenicity is insufficient at this time. Therefore, this variant is classified as VUS according to the recommendation of ACMG/AMP guideline.

Literature cited by the submitters: PubMed 31230720; PubMed 32403337.

NM_177402.5(SYT2):c.1081G>A (p.Asp361Asn)

Gene: SYT2 (synaptotagmin 2; minus strand). Cytogenetic location: 1q32.1.
Variant type: single nucleotide variant.
Coding change: c.1081G>A on transcript NM_177402.5 (MANE Select); coding-DNA position 1081, G replaced by A.
Protein change: p.Asp361Asn; replaces aspartic acid 361 with asparagine.
Molecular consequence: missense variant.
Genome position (GRCh38, 1-based): chr1:202,596,936, C>T on the plus strand (G>A on the coding strand, the complement: SYT2 is on the minus strand). VCF-style: chr1-202596936-C-T. GRCh37 (hg19) VCF-style: chr1-202566064-C-T.
Other names: c.1081G>A, p.Asp361Asn (NM_001136504.1); short protein forms D361N.
Identifiers: ClinVar variation 2444098 (VCV002444098.1), dbSNP rs1572604296, ClinGen allele CA344256170.